The following is an entry in ClinVar:

ClinVar aggregate classification (germline): Uncertain significance (1 of 4 stars; one submission).

Conditions:
Christianson syndrome (MRXSCH). Also called: X-linked mental retardation, syndromic, Christianson type; INTELLECTUAL DEVELOPMENTAL DISORDER, X-LINKED, SYNDROMIC, CHRISTIANSON TYPE; SLC9A6-Related Syndromic Mental Retardation. Identifiers: Orphanet 85278, MedGen C2678194, MONDO:0010278, OMIM 300243.

Allele frequency attached by ClinVar (database versions not stated): gnomAD exomes below 0.00001 and 0.00001.
gnomAD v4.1: 2 of 1,195,165 alleles (0.00017%); highest among the groups gnomAD compares: Non-Finnish European, 0.00023%; no homozygotes.

Submission:

Labcorp Genetics (formerly Invitae), Labcorp
Classification: Uncertain significance for Christianson syndrome. Last evaluated: 2024-04-22. Review status: criteria provided, single submitter. Criteria: Invitae Variant Classification Sherloc (09022015). Collection method: clinical testing. Allele origin: germline.
Comment: This sequence change replaces valine, which is neutral and non-polar, with methionine, which is neutral and non-polar, at codon 316 of the SLC9A6 protein (p.Val316Met). This variant is present in population databases (no rsID available, gnomAD 0.001%), including at least one homozygous and/or hemizygous individual. This variant has not been reported in the literature in individuals affected with SLC9A6-related conditions. ClinVar contains an entry for this variant (Variation ID: 469638). An algorithm developed to predict the effect of missense changes on protein structure and function (PolyPhen-2) suggests that this variant is likely to be disruptive. In summary, the available evidence is currently insufficient to determine the role of this variant in disease. Therefore, it has been classified as a Variant of Uncertain Significance.

NM_001379110.1(SLC9A6):c.886G>A (p.Val296Met)

Gene: SLC9A6 (solute carrier family 9 member A6; plus strand). Cytogenetic location: Xq26.3.
Variant type: single nucleotide variant.
Coding change: c.886G>A on transcript NM_001379110.1 (MANE Select); coding-DNA position 886, G replaced by A.
Protein change: p.Val296Met; replaces valine 296 with methionine.
Molecular consequence: missense variant.
Genome position (GRCh38, 1-based): chrX:136,012,949, G>A. VCF-style: chrX-136012949-G-A. GRCh37 (hg19) VCF-style: chrX-135095108-G-A.
Other names: c.1042G>A, p.Val348Met (NM_001042537.2); c.886G>A, p.Val296Met (NM_001177651.2); c.790G>A, p.Val264Met (NM_001330652.2); c.946G>A, p.Val316Met (NM_006359.3); short protein forms V316M, V348M, V296M, V264M.
Identifiers: ClinVar variation 469638 (VCV000469638.7), dbSNP rs1556618832, ClinGen allele CA414751479.